The following is an entry in ClinVar:

NM_178857.6(RP1L1):c.4112G>C (p.Gly1371Ala)

Gene: RP1L1 (RP1 like 1). Cytogenetic location: 8p23.1.
Variant type: single nucleotide variant.
Coding change: c.4112G>C on transcript NM_178857.6 (MANE Select); coding-DNA position 4112, G replaced by C.
Protein change: p.Gly1371Ala; replaces glycine 1371 with alanine.
Molecular consequence: missense variant.
Genome position (GRCh38, 1-based): chr8:10,609,986, C>G on the plus strand (G>C on the coding strand, the complement: RP1L1 is on the minus strand). VCF-style: chr8-10609986-C-G. GRCh37 (hg19) VCF-style: chr8-10467496-C-G.
Other names: short protein forms G1371A.
Identifiers: ClinVar variation 4083392 (VCV004083392.2).

ClinVar aggregate classification (germline): Conflicting classifications of pathogenicity. Review status: criteria provided, conflicting classifications (1 of 4 stars). 2 submissions from 2 submitters: Uncertain significance (1); Likely benign (1). Last evaluated 2025-03-06.

gnomAD v4.1: 201 of 1,602,522 alleles (0.013%); highest among the groups gnomAD compares: African/African-American, 0.21%; 1 homozygote.

Submissions (2):

GeneDx
Classification: Uncertain significance. Last evaluated: 2025-03-06. Review status: criteria provided, single submitter. Criteria: GeneDx Variant Classification Process June 2021. Collection method: clinical testing. Allele origin: germline. Affected: yes.
Comment: In silico analysis indicates that this missense variant does not alter protein structure/function; Has not been previously published as pathogenic or benign to our knowledge

Blueprint Genetics
Classification: Likely benign. Last evaluated: 2024-10-31. Review status: criteria provided, single submitter. Criteria: ACMG Guidelines, 2015. Collection method: clinical testing. Allele origin: germline.